The following is an entry in ClinVar:

NM_005633.4(SOS1):c.1912C>G (p.Gln638Glu)

Gene: SOS1 (SOS Ras/Rac guanine nucleotide exchange factor 1; minus strand). Cytogenetic location: 2p22.1.
Variant type: single nucleotide variant.
Coding change: c.1912C>G on transcript NM_005633.4 (MANE Select); coding-DNA position 1912, C replaced by G.
Protein change: p.Gln638Glu; replaces glutamine 638 with glutamic acid.
Molecular consequence: missense variant.
Genome position (GRCh38, 1-based): chr2:39,014,793, G>C on the plus strand (C>G on the coding strand, the complement: SOS1 is on the minus strand). VCF-style: chr2-39014793-G-C. GRCh37 (hg19) VCF-style: chr2-39241934-G-C.
Other names: c.1891C>G, p.Gln631Glu (NM_001382394.1); c.1912C>G, p.Gln638Glu (NM_001382395.1); short protein forms Q631E, Q638E.
Identifiers: ClinVar variation 4747102 (VCV004747102.1).

ClinVar aggregate classification (germline): Uncertain significance (1 of 4 stars; one submission).

Conditions:
RASopathy. Also called: Noonan spectrum disorder; rasopathies. Identifiers: Orphanet 536391, MedGen C5555857, MONDO:0021060.

gnomAD v4.1: 1 of 1,596,570 alleles (0.000063%); highest among the groups gnomAD compares: Non-Finnish European, 0.000086%; no homozygotes.

Submission:

Labcorp Genetics (formerly Invitae), Labcorp
Classification: Uncertain significance for RASopathy. Last evaluated: 2025-12-09. Review status: criteria provided, single submitter. Criteria: Invitae Variant Classification Sherloc (09022015). Collection method: clinical testing. Allele origin: germline.
Comment: This sequence change replaces glutamine, which is neutral and polar, with glutamic acid, which is acidic and polar, at codon 638 of the SOS1 protein (p.Gln638Glu). This variant is not present in population databases (gnomAD no frequency). This variant has not been reported in the literature in individuals affected with SOS1-related conditions. Invitae Evidence Modeling of protein sequence and biophysical properties (such as structural, functional, and spatial information, amino acid conservation, physicochemical variation, residue mobility, and thermodynamic stability) has been performed for this missense variant. However, the output from this modeling did not meet the statistical confidence thresholds required to predict the impact of this variant on SOS1 protein function. In summary, the available evidence is currently insufficient to determine the role of this variant in disease. Therefore, it has been classified as a Variant of Uncertain Significance.